The following is an entry in ClinVar:

ClinVar aggregate classification (germline): Uncertain significance (1 of 4 stars; one submission).

Conditions:
Inborn genetic diseases. Identifiers: MedGen C0950123, MeSH D030342.

gnomAD v4.1: 3 of 1,611,436 alleles (0.00019%); highest among the groups gnomAD compares: Non-Finnish European, 0.00025%; no homozygotes.

Submission:

Ambry Genetics
Classification: Uncertain significance for Inborn genetic diseases. Last evaluated: 2025-03-15. Review status: criteria provided, single submitter. Criteria: Ambry Variant Classification Scheme 2023. Collection method: clinical testing. Allele origin: germline.
Comment: The p.A671G variant (also known as c.2012C>G), located in coding exon 13 of the ASXL1 gene, results from a C to G substitution at nucleotide position 2012. The alanine at codon 671 is replaced by glycine, an amino acid with similar properties. This amino acid position is conserved. In addition, this alteration is predicted to be tolerated by in silico analysis. Based on the available evidence, the clinical significance of this variant remains unclear.

NM_015338.6(ASXL1):c.2012C>G (p.Ala671Gly)

Gene: ASXL1 (ASXL transcriptional regulator 1; plus strand). Cytogenetic location: 20q11.21.
Variant type: single nucleotide variant.
Coding change: c.2012C>G on transcript NM_015338.6 (MANE Select); coding-DNA position 2012, C replaced by G.
Protein change: p.Ala671Gly; replaces alanine 671 with glycine.
Molecular consequence: missense variant.
Genome position (GRCh38, 1-based): chr20:32,434,724, C>G. VCF-style: chr20-32434724-C-G. GRCh37 (hg19) VCF-style: chr20-31022527-C-G.
Other names: c.1829C>G, p.Ala610Gly (NM_001363734.1); short protein forms A671G, A610G.
Identifiers: ClinVar variation 3954841 (VCV003954841.1).
Genomic context (GRCh38, chr20:32,434,724, plus strand): 5'-GCGGCGGGGCCACCGATGAGGGAGGTGGCAGAGGCAGCAGCAGTGGTGATGGTGGTGAGG[C>G]CTGTGGCCACCCTGAGCCCAGGGGAGGCCCGAGCACCCCTGGAAAGTGTACGTCAGATCT-3'
Protein context (NP_056153.2, residues 661-681): RGSSSGDGGE[Ala671Gly]CGHPEPRGGP